The following is an entry in ClinVar:

NM_001101426.4(CRPPA):c.52C>T (p.Leu18=)

Genes: CRPPA (CDP-L-ribitol pyrophosphorylase A; minus strand), LOC129998005 (ATAC-STARR-seq lymphoblastoid silent region 17982; plus strand). Cytogenetic location: 7p21.2.
Variant type: single nucleotide variant.
Coding change: c.52C>T on transcript NM_001101426.4 (MANE Select); coding-DNA position 52, C replaced by T.
Protein change: p.Leu18=; no amino-acid change (leucine 18 retained).
Molecular consequence: synonymous variant. On other transcripts: non-coding transcript variant (1).
Genome position (GRCh38, 1-based): chr7:16,421,271, G>A on the plus strand (C>T on the coding strand, the complement: CRPPA is on the minus strand). VCF-style: chr7-16421271-G-A. GRCh37 (hg19) VCF-style: chr7-16460896-G-A.
Other names: c.52C>T, p.Leu18= (NM_001101417.4, NM_001368197.1).
Identifiers: ClinVar variation 286036 (VCV000286036.12), dbSNP rs886043287, ClinGen allele CA10605338.

ClinVar aggregate classification (germline): Conflicting classifications of pathogenicity. Review status: criteria provided, conflicting classifications (1 of 4 stars). 3 submissions from 3 submitters: Uncertain significance (1); Likely benign (2). Last evaluated 2024-09-22.

Conditions:
Muscular dystrophy-dystroglycanopathy (congenital with brain and eye anomalies), type A, 7. Also called: WALKER-WARBURG SYNDROME OR MUSCLE-EYE-BRAIN DISEASE, ISPD-RELATED; Congenital muscular dystrophy-dystroglycanopathy with brain and eye anomalies, type A7. Identifiers: Orphanet 899, MedGen C3553330, MONDO:0013835, OMIM 614643.
Autosomal recessive limb-girdle muscular dystrophy type 2U. Also called: MUSCULAR DYSTROPHY, LIMB-GIRDLE, TYPE 2U; Muscular dystrophy-dystroglycanopathy (limb-girdle), type c, 7. Identifiers: Orphanet 352479, MedGen C5190987, MONDO:0014474, OMIM 616052.

Allele frequency attached by ClinVar (database versions not stated): TOPMed 0.00001; gnomAD 0.00002.
gnomAD v4.1: 6 of 1,291,170 alleles (0.00046%); highest among the groups gnomAD compares: Admixed American, 0.0041%; no homozygotes.

Submissions (3):

Labcorp Genetics (formerly Invitae), Labcorp
Classification: Likely benign for Muscular dystrophy-dystroglycanopathy (congenital with brain and eye anomalies), type A, 7; Autosomal recessive limb-girdle muscular dystrophy type 2U. Last evaluated: 2024-09-22. Review status: criteria provided, single submitter. Criteria: Invitae Variant Classification Sherloc (09022015). Collection method: clinical testing. Allele origin: germline.

GeneDx
Classification: Likely benign. Last evaluated: 2017-07-18. Review status: criteria provided, single submitter. Criteria: GeneDx Variant Classification (06012015). Collection method: clinical testing. Allele origin: germline. Affected: yes.
Comment: This variant is considered likely benign or benign based on one or more of the following criteria: it is a conservative change, it occurs at a poorly conserved position in the protein, it is predicted to be benign by multiple in silico algorithms, and/or has population frequency not consistent with disease.

Eurofins Ntd Llc (ga)
Classification: Uncertain significance. Last evaluated: 2016-02-03. Review status: criteria provided, single submitter. Criteria: EGL Classification Definitions 2015. Collection method: clinical testing. Allele origin: germline. Observed: 1 variant allele, 1 heterozygote.